The following is an entry in ClinVar:

NM_015662.3(IFT172):c.1893G>A (p.Leu631=)

Gene: IFT172 (intraflagellar transport 172; minus strand). Cytogenetic location: 2p23.3.
Variant type: single nucleotide variant.
Coding change: c.1893G>A on transcript NM_015662.3 (MANE Select); coding-DNA position 1893, G replaced by A.
Protein change: p.Leu631=; no amino-acid change (leucine 631 retained).
Molecular consequence: synonymous variant.
Genome position (GRCh38, 1-based): chr2:27,465,455, C>T on the plus strand (G>A on the coding strand, the complement: IFT172 is on the minus strand). VCF-style: chr2-27465455-C-T. GRCh37 (hg19) VCF-style: chr2-27688322-C-T.
Identifiers: ClinVar variation 771816 (VCV000771816.18), dbSNP rs774534899, ClinGen allele CA1580496.

ClinVar aggregate classification (germline): Likely benign. Review status: criteria provided, multiple submitters, no conflicts (2 of 4 stars). 4 submissions from 4 submitters: Likely benign (3). 1 of the submissions does not count toward it. Last evaluated 2026-02-01.

Conditions:
Short-rib thoracic dysplasia 10 with or without polydactyly (SRTD10). Identifiers: Orphanet 474, MedGen C3810175, MONDO:0014284, OMIM 615630.
Retinitis pigmentosa 71 (RP71). Identifiers: Orphanet 791, MedGen C4225342, MONDO:0014618, OMIM 616394.
Bardet-Biedl syndrome 20. Identifiers: MedGen C4310707, MONDO:0023670, OMIM 619471, MONDO:0014926.
IFT172-related disorder. Also called: IFT172-related condition; IFT172-related disorders.

Allele frequency attached by ClinVar (database versions not stated): TOPMed 0.00001; ExAC 0.00002; gnomAD 0.00003; gnomAD exomes 0.00003 and 0.00004.
gnomAD v4.1: 50 of 1,614,016 alleles (0.0031%); highest among the groups gnomAD compares: Admixed American, 0.025%; no homozygotes.

Submissions (4):

CeGaT Center for Human Genetics Tuebingen
Classification: Likely benign. Last evaluated: 2026-02-01. Review status: criteria provided, single submitter. Criteria: CeGaT Center For Human Genetics Tuebingen Variant Classification Criteria Version 2. Collection method: clinical testing. Allele origin: germline. Affected: yes. Observed: 1 variant allele.
Comment: IFT172: BP4, BP7

Labcorp Genetics (formerly Invitae), Labcorp
Classification: Likely benign for Retinitis pigmentosa 71; Short-rib thoracic dysplasia 10 with or without polydactyly. Last evaluated: 2025-10-21. Review status: criteria provided, single submitter. Criteria: Invitae Variant Classification Sherloc (09022015). Collection method: clinical testing. Allele origin: germline.

Fulgent Genetics
Classification: Likely benign for Short-rib thoracic dysplasia 10 with or without polydactyly; Retinitis pigmentosa 71; Bardet-Biedl syndrome 20. Last evaluated: 2022-03-12. Review status: criteria provided, single submitter. Criteria: ACMG Guidelines, 2015. Collection method: clinical testing. Allele origin: unknown.

PreventionGenetics, part of Exact Sciences
Classification: Likely benign for IFT172-related condition. Last evaluated: 2022-03-22. Review status: no assertion criteria provided. Collection method: clinical testing. Allele origin: germline. Not counted in ClinVar's aggregate classification.
Comment: This variant is classified as likely benign based on ACMG/AMP sequence variant interpretation guidelines (Richards et al. 2015 PMID: 25741868, with internal and published modifications).